The following is an entry in ClinVar:

NM_002224.4(ITPR3):c.2226C>A (p.Asp742Glu)

Gene: ITPR3 (inositol 1,4,5-trisphosphate receptor type 3; plus strand). Cytogenetic location: 6p21.31.
Variant type: single nucleotide variant.
Coding change: c.2226C>A on transcript NM_002224.4 (MANE Select); coding-DNA position 2226, C replaced by A.
Protein change: p.Asp742Glu; replaces aspartic acid 742 with glutamic acid.
Molecular consequence: missense variant.
Genome position (GRCh38, 1-based): chr6:33,670,361, C>A. VCF-style: chr6-33670361-C-A. GRCh37 (hg19) VCF-style: chr6-33638138-C-A.
Other names: short protein forms D742E.
Identifiers: ClinVar variation 774180 (VCV000774180.21), dbSNP rs2229633, ClinGen allele CA3760523.

ClinVar aggregate classification (germline): Benign/Likely benign. Review status: criteria provided, multiple submitters, no conflicts (2 of 4 stars). 3 submissions from 3 submitters: Benign (1); Likely benign (1). 1 of the submissions does not count toward it. Last evaluated 2026-07-01.

Conditions:
ITPR3-related disorder. Also called: ITPR3-related condition.

Allele frequency attached by ClinVar (database versions not stated): TOPMed 0.00412; ESP Exome Variant Server 0.00500; 1000 Genomes Project 0.00619; 1000 Genomes Project 30x 0.00640.
gnomAD v4.1: 3,002 of 1,614,118 alleles (0.19%); highest among the groups gnomAD compares: African/African-American, 1.1%; 14 homozygotes.

Submissions (3):

CeGaT Center for Human Genetics Tuebingen
Classification: Likely benign. Last evaluated: 2026-07-01. Review status: criteria provided, single submitter. Criteria: CeGaT Center For Human Genetics Tuebingen Variant Classification Criteria Version 2. Collection method: clinical testing. Allele origin: germline. Affected: yes. Observed: 3 variant alleles.
Comment: ITPR3: BS1

Labcorp Genetics (formerly Invitae), Labcorp
Classification: Benign. Last evaluated: 2019-12-31. Review status: criteria provided, single submitter. Criteria: Invitae Variant Classification Sherloc (09022015). Collection method: clinical testing. Allele origin: germline.

PreventionGenetics, part of Exact Sciences
Classification: Benign for ITPR3-related condition. Last evaluated: 2019-04-09. Review status: no assertion criteria provided. Collection method: clinical testing. Allele origin: germline. Not counted in ClinVar's aggregate classification.
Comment: This variant is classified as benign based on ACMG/AMP sequence variant interpretation guidelines (Richards et al. 2015 PMID: 25741868, with internal and published modifications).